The following is an entry in ClinVar:

ClinVar aggregate classification (germline): Benign. Review status: criteria provided, multiple submitters, no conflicts (2 of 4 stars). 3 submissions from 3 submitters: Benign (2). 1 of the submissions does not count toward it. Last evaluated 2026-01-23.

Conditions:
KDF1-related disorder. Also called: KDF1-related condition.

Allele frequency attached by ClinVar (database versions not stated): 1000 Genomes Project 0.00759; 1000 Genomes Project 30x 0.00765; TOPMed 0.02220; gnomAD exomes 0.02417 and 0.03535; ExAC 0.02437; gnomAD 0.02475 and 0.02564; ESP Exome Variant Server 0.02660.

Submissions (3):

Labcorp Genetics (formerly Invitae), Labcorp
Classification: Benign. Last evaluated: 2026-01-23. Review status: criteria provided, single submitter. Criteria: Invitae Variant Classification Sherloc (09022015). Collection method: clinical testing. Allele origin: germline.

Breakthrough Genomics
Classification: Benign. Review status: criteria provided, single submitter. Criteria: ACMG Guidelines, 2015. Collection method: not provided. Allele origin: germline. Inheritance: Autosomal dominant inheritance. Affected: yes.

PreventionGenetics, part of Exact Sciences
Classification: Benign for KDF1-related condition. Last evaluated: 2019-08-14. Review status: no assertion criteria provided. Collection method: clinical testing. Allele origin: germline. Not counted in ClinVar's aggregate classification.
Comment: This variant is classified as benign based on ACMG/AMP sequence variant interpretation guidelines (Richards et al. 2015 PMID: 25741868, with internal and published modifications).

NM_152365.3(KDF1):c.849G>A (p.Thr283=)

Gene: KDF1 (keratinocyte differentiation factor 1; minus strand). Cytogenetic location: 1p36.11.
Variant type: single nucleotide variant.
Coding change: c.849G>A on transcript NM_152365.3 (MANE Select); coding-DNA position 849, G replaced by A.
Protein change: p.Thr283=; no amino-acid change (threonine 283 retained).
Molecular consequence: synonymous variant.
Genome position (GRCh38, 1-based): chr1:26,951,532, C>T on the plus strand (G>A on the coding strand, the complement: KDF1 is on the minus strand). VCF-style: chr1-26951532-C-T. GRCh37 (hg19) VCF-style: chr1-27278023-C-T.
Other names: c.849G>A (NM_152365.2).
Identifiers: ClinVar variation 1594784 (VCV001594784.11), dbSNP rs78691396, ClinGen allele CA710228.